The following is an entry in ClinVar:

ClinVar aggregate classification (germline): Uncertain significance. Review status: criteria provided, multiple submitters, no conflicts (2 of 4 stars). 2 submissions from 2 submitters: Uncertain significance (2). Last evaluated 2023-11-01.

Conditions:
Inborn genetic diseases. Identifiers: MedGen C0950123, MeSH D030342.

Allele frequency attached by ClinVar (database versions not stated): gnomAD exomes below 0.00001.
gnomAD v4.1: 5 of 1,614,004 alleles (0.00031%); highest among the groups gnomAD compares: Middle Eastern, 0.033%; no homozygotes.

Submissions (2):

CeGaT Center for Human Genetics Tuebingen
Classification: Uncertain significance. Last evaluated: 2023-11-01. Review status: criteria provided, single submitter. Criteria: CeGaT Center For Human Genetics Tuebingen Variant Classification Criteria Version 2. Collection method: clinical testing. Allele origin: germline. Affected: yes. Observed: 1 variant allele.
Comment: DHX37: PM2, BP4

Ambry Genetics
Classification: Uncertain significance for Inborn genetic diseases. Last evaluated: 2022-07-06. Review status: criteria provided, single submitter. Criteria: Ambry Variant Classification Scheme 2023. Collection method: clinical testing. Allele origin: germline.

NM_032656.4(DHX37):c.1681G>A (p.Gly561Arg)

Gene: DHX37 (DEAH-box helicase 37; minus strand). Cytogenetic location: 12q24.31.
Variant type: single nucleotide variant.
Coding change: c.1681G>A on transcript NM_032656.4 (MANE Select); coding-DNA position 1681, G replaced by A.
Protein change: p.Gly561Arg; replaces glycine 561 with arginine.
Molecular consequence: missense variant.
Genome position (GRCh38, 1-based): chr12:124,965,722, C>T on the plus strand (G>A on the coding strand, the complement: DHX37 is on the minus strand). VCF-style: chr12-124965722-C-T. GRCh37 (hg19) VCF-style: chr12-125450268-C-T.
Other names: short protein forms G561R.
Identifiers: ClinVar variation 2344260 (VCV002344260.25), dbSNP rs2547123824, ClinGen allele CA387225229.